The following is an entry in ClinVar:

NM_002500.5(NEUROD1):c.818T>C (p.Leu273Pro)

Gene: NEUROD1 (neuronal differentiation 1; minus strand). Cytogenetic location: 2q31.3.
Variant type: single nucleotide variant.
Coding change: c.818T>C on transcript NM_002500.5 (MANE Select); coding-DNA position 818, T replaced by C.
Protein change: p.Leu273Pro; replaces leucine 273 with proline.
Molecular consequence: missense variant.
Genome position (GRCh38, 1-based): chr2:181,678,043, A>G on the plus strand (T>C on the coding strand, the complement: NEUROD1 is on the minus strand). VCF-style: chr2-181678043-A-G. GRCh37 (hg19) VCF-style: chr2-182542770-A-G.
Other names: short protein forms L273P.
Identifiers: ClinVar variation 4281840 (VCV004281840.1).
Genomic context (GRCh38, chr2:181,678,043, plus strand): 5'-AACTCGGCGGACGGTTCGTGTTTGAAAGAGAAGTTGCCATTGATGCTGAGCGGCGGGCTG[A>G]GGGGTCCATCAAAGGAAGGGCTGGTGCAATCAGTCAGAGGGCTTTCAAAGAAGGGCTCCA-3'
Protein context (NP_002491.3, residues 263-283): DCTSPSFDGP[Leu273Pro]SPPLSINGNF

ClinVar aggregate classification (germline): Uncertain significance (1 of 4 stars; one submission).

Submission:

GeneDx
Classification: Uncertain significance. Last evaluated: 2025-04-07. Review status: criteria provided, single submitter. Criteria: GeneDx Variant Classification Process June 2021. Collection method: clinical testing. Allele origin: germline. Affected: yes.
Comment: Not observed at significant frequency in large population cohorts (gnomAD); In silico analysis supports that this missense variant has a deleterious effect on protein structure/function; Has not been previously published as pathogenic or benign to our knowledge